The following is an entry in ClinVar:

ClinVar aggregate classification (germline): Uncertain significance (1 of 4 stars; one submission).

Conditions:
Charcot-Marie-Tooth disease type 2E (CMT2E). Also called: CHARCOT-MARIE-TOOTH DISEASE, AXONAL, TYPE 2E; CHARCOT-MARIE-TOOTH NEUROPATHY, TYPE 2E. Identifiers: Orphanet 99939, MedGen C1843225, MONDO:0011894, OMIM 607684.

Submission:

Labcorp Genetics (formerly Invitae), Labcorp
Classification: Uncertain significance for Charcot-Marie-Tooth disease type 2E. Last evaluated: 2022-08-03. Review status: criteria provided, single submitter. Criteria: Invitae Variant Classification Sherloc (09022015). Collection method: clinical testing. Allele origin: germline.
Comment: This variant is not present in population databases (gnomAD no frequency). In summary, the available evidence is currently insufficient to determine the role of this variant in disease. Therefore, it has been classified as a Variant of Uncertain Significance. Experimental studies and prediction algorithms are not available or were not evaluated, and the functional significance of this variant is currently unknown. This variant has not been reported in the literature in individuals affected with NEFL-related conditions. This sequence change replaces glutamic acid, which is acidic and polar, with lysine, which is basic and polar, at codon 106 of the NEFL protein (p.Glu106Lys).

NM_006158.5(NEFL):c.316G>A (p.Glu106Lys)

Gene: NEFL (neurofilament light chain; minus strand). Cytogenetic location: 8p21.2.
Variant type: single nucleotide variant.
Coding change: c.316G>A on transcript NM_006158.5 (MANE Select); coding-DNA position 316, G replaced by A.
Protein change: p.Glu106Lys; replaces glutamic acid 106 with lysine.
Molecular consequence: missense variant.
Genome position (GRCh38, 1-based): chr8:24,956,200, C>T on the plus strand (G>A on the coding strand, the complement: NEFL is on the minus strand). VCF-style: chr8-24956200-C-T. GRCh37 (hg19) VCF-style: chr8-24813714-C-T.
Other names: short protein forms E106K.
Identifiers: ClinVar variation 1714757 (VCV001714757.5), dbSNP rs949755145, ClinGen allele CA370622817.
Genomic context (GRCh38, chr8:24,956,200, plus strand): 5'-GCAGCACCAGCAGCTCGGCTTCCAGGACCTTGTTCTGCTGCTCCAGCTCGTGCACGCGCT[C>T]GATGAAGCTGGCGAAGCGGTCATTGAGGTCCTGGAGCTGCGCCTTCTCCTGCGTGCGGAT-3'
Protein context (NP_006149.2, residues 96-116): DLNDRFASFI[Glu106Lys]RVHELEQQNK